The following is an entry in ClinVar:

ClinVar aggregate classification (germline): Uncertain significance (1 of 4 stars; one submission).

Conditions:
Ehlers-Danlos syndrome, classic type (cEDS). Identifiers: Orphanet 287, MedGen C4225429, MONDO:0007522.

Allele frequency attached by ClinVar (database versions not stated): gnomAD exomes below 0.00001; TOPMed below 0.00001; gnomAD 0.00001.
gnomAD v4.1: 2 of 1,613,812 alleles (0.00012%); highest among the groups gnomAD compares: East Asian, 0.0022%; no homozygotes.

Submission:

Labcorp Genetics (formerly Invitae), Labcorp
Classification: Uncertain significance for Ehlers-Danlos syndrome, classic type, 1. Last evaluated: 2017-01-23. Review status: criteria provided, single submitter. Criteria: Invitae Variant Classification Sherloc (09022015). Collection method: clinical testing. Allele origin: germline.
Comment: This sequence change replaces isoleucine with valine at codon 782 of the COL5A2 protein (p.Ile782Val). The isoleucine residue is moderately conserved and there is a small physicochemical difference between isoleucine and valine. This variant is not present in population databases (ExAC no frequency) and has not been reported in the literature in individuals with a COL5A2-related disease. Algorithms developed to predict the effect of missense changes on protein structure and function output the following: (SIFT: "Tolerated"; PolyPhen-2: "Benign"; Align-GVGD: "Class C0"). The valine amino acid residue is found in multiple mammalian species, suggesting that this missense change does not adversely affect protein function. These predictions have not been confirmed by published functional studies. In summary, this variant is a novel missense change that is not predicted to affect protein function. There is no indication that it causes disease, but the available evidence is currently insufficient to prove that conclusively. Therefore, it has been classified as a Variant of Uncertain Significance.

NM_000393.5(COL5A2):c.2344A>G (p.Ile782Val)

Gene: COL5A2 (collagen type V alpha 2 chain; minus strand). Cytogenetic location: 2q32.2.
Variant type: single nucleotide variant.
Coding change: c.2344A>G on transcript NM_000393.5 (MANE Select); coding-DNA position 2344, A replaced by G.
Protein change: p.Ile782Val; replaces isoleucine 782 with valine.
Molecular consequence: missense variant.
Genome position (GRCh38, 1-based): chr2:189,057,020, T>C on the plus strand (A>G on the coding strand, the complement: COL5A2 is on the minus strand). VCF-style: chr2-189057020-T-C. GRCh37 (hg19) VCF-style: chr2-189921746-T-C.
Other names: short protein forms I782V.
Identifiers: ClinVar variation 459737 (VCV000459737.3), dbSNP rs1270917752, ClinGen allele CA349873641.